The following is an entry in ClinVar:

ClinVar aggregate classification (germline): Conflicting classifications of pathogenicity. Review status: criteria provided, conflicting classifications (1 of 4 stars). 2 submissions from 2 submitters: Likely pathogenic (1); Uncertain significance (1). Last evaluated 2024-10-28.

Conditions:
Dilated cardiomyopathy 1G (CMD1G). Identifiers: Orphanet 154, MedGen C1858763, MONDO:0011400, OMIM 604145.
Autosomal recessive limb-girdle muscular dystrophy type 2J (LGMDR10). Also called: MUSCULAR DYSTROPHY, LIMB-GIRDLE, AUTOSOMAL RECESSIVE 10; Limb-girdle muscular dystrophy, type 2J. Identifiers: Orphanet 140922, MedGen C1837342, MONDO:0012127, OMIM 608807.

Allele frequency attached by ClinVar (database versions not stated): gnomAD exomes below 0.00001.
gnomAD v4.1: 3 of 1,550,596 alleles (0.00019%); highest among the groups gnomAD compares: South Asian, 0.0013%; no homozygotes.

Submissions (2):

Labcorp Genetics (formerly Invitae), Labcorp
Classification: Likely pathogenic for Dilated cardiomyopathy 1G; Autosomal recessive limb-girdle muscular dystrophy type 2J. Last evaluated: 2024-10-28. Review status: criteria provided, single submitter. Criteria: Invitae Variant Classification Sherloc (09022015). Collection method: clinical testing. Allele origin: germline.
Comment: This sequence change affects a donor splice site in intron 71 of the TTN gene. It is expected to disrupt RNA splicing and likely results in a truncated or disrupted TTN protein. This variant is not present in population databases (gnomAD no frequency). This variant has not been reported in the literature in individuals affected with TTN-related conditions. ClinVar contains an entry for this variant (Variation ID: 1443738). Algorithms developed to predict the effect of sequence changes on RNA splicing suggest that this variant may disrupt the consensus splice site. This variant is located in the I band of TTN (PMID: 25589632). Truncating variants in this region have been reported in individuals affected with autosomal recessive centronuclear myopathy (PMID: 23975875, internal data). Truncating variants in this region have also been identified in individuals affected with autosomal dominant dilated cardiomyopathy and/or cardio-related conditions (PMID: 27869827, 32964742, internal data). In summary, the currently available evidence indicates that the variant is pathogenic, but additional data are needed to prove that conclusively. Therefore, this variant has been classified as Likely Pathogenic.

Clinical Genetics Laboratory, Skane University Hospital Lund
Classification: Uncertain significance. Last evaluated: 2022-05-27. Review status: criteria provided, single submitter. Criteria: ACMG Guidelines, 2015. Collection method: clinical testing. Allele origin: germline. Affected: yes.

Literature cited by the submitters: PubMed 25589632 (cited by Labcorp Genetics (formerly Invitae), Labcorp); PubMed 23975875 (cited by Labcorp Genetics (formerly Invitae), Labcorp); PubMed 27869827 (cited by Labcorp Genetics (formerly Invitae), Labcorp); PubMed 32964742 (cited by Labcorp Genetics (formerly Invitae), Labcorp).

NM_001267550.2(TTN):c.20836+2T>C

Gene: TTN (titin; minus strand). Cytogenetic location: 2q31.2.
Variant type: single nucleotide variant.
Coding change: c.20836+2T>C on transcript NM_001267550.2 (MANE Select); the canonical splice donor site of the intron after coding-DNA position 20836, T replaced by C.
Molecular consequence: splice donor variant. On other transcripts: intron variant (3).
Genome position (GRCh38, 1-based): chr2:178,725,366, A>G on the plus strand (T>C on the coding strand, the complement: TTN is on the minus strand). VCF-style: chr2-178725366-A-G. GRCh37 (hg19) VCF-style: chr2-179590093-A-G.
Other names: c.13282+12716T>C (NM_003319.4); c.13858+12716T>C (NM_133437.4); c.13657+12716T>C (NM_133432.3); c.17104+2T>C (NM_133378.4); c.19885+2T>C (NM_001256850.1).
Identifiers: ClinVar variation 1443738 (VCV001443738.7), dbSNP rs776932740, ClinGen allele CA2001150.